The following is an entry in ClinVar:

NM_002291.3(LAMB1):c.2237T>C (p.Val746Ala)

Gene: LAMB1 (laminin subunit beta 1; minus strand). Cytogenetic location: 7q31.1.
Variant type: single nucleotide variant.
Coding change: c.2237T>C on transcript NM_002291.3 (MANE Select); coding-DNA position 2237, T replaced by C.
Protein change: p.Val746Ala; replaces valine 746 with alanine.
Molecular consequence: missense variant.
Genome position (GRCh38, 1-based): chr7:107,960,522, A>G on the plus strand (T>C on the coding strand, the complement: LAMB1 is on the minus strand). VCF-style: chr7-107960522-A-G. GRCh37 (hg19) VCF-style: chr7-107600967-A-G.
Other names: short protein forms V746A.
Identifiers: ClinVar variation 3691537 (VCV003691537.2).
Genomic context (GRCh38, chr7:107,960,522, plus strand): 5'-AACAGGGCAGAAATGCTAAAGATGATGTTTCTGCAAACATCTGTCATCGGTGTTTTCACA[A>G]CGCTTCTGCTGTTCTCTAGACATCGGTATCTCTGAAAGGTTTCCCAGGCACTGTTGGTGA-3'
Protein context (NP_002282.2, residues 736-756): RYRCLENSRS[Val746Ala]VKTPMTDVCR

ClinVar aggregate classification (germline): Uncertain significance (1 of 4 stars; one submission).

gnomAD v4.1: 1 of 1,614,208 alleles (0.000062%); highest among the groups gnomAD compares: Non-Finnish European, 0.000085%; no homozygotes.

Submission:

Labcorp Genetics (formerly Invitae), Labcorp
Classification: Uncertain significance. Last evaluated: 2024-08-27. Review status: criteria provided, single submitter. Criteria: Invitae Variant Classification Sherloc (09022015). Collection method: clinical testing. Allele origin: germline.
Comment: This sequence change replaces valine, which is neutral and non-polar, with alanine, which is neutral and non-polar, at codon 746 of the LAMB1 protein (p.Val746Ala). This variant is not present in population databases (gnomAD no frequency). This variant has not been reported in the literature in individuals affected with LAMB1-related conditions. An algorithm developed to predict the effect of missense changes on protein structure and function (PolyPhen-2) suggests that this variant is likely to be disruptive. In summary, the available evidence is currently insufficient to determine the role of this variant in disease. Therefore, it has been classified as a Variant of Uncertain Significance.